The following is an entry in ClinVar:

NM_004738.5(VAPB):c.*3822C>G

Gene: VAPB (VAMP associated protein B and C; plus strand). Cytogenetic location: 20q13.32.
Variant type: single nucleotide variant.
Coding change: c.*3822C>G on transcript NM_004738.5 (MANE Select); 3822 bases downstream of the stop codon, C replaced by G.
Molecular consequence: 3 prime UTR variant. On other transcripts: non-coding transcript variant (1).
Genome position (GRCh38, 1-based): chr20:58,448,057, C>G. VCF-style: chr20-58448057-C-G. GRCh37 (hg19) VCF-style: chr20-57023113-C-G.
Other names: c.*3892C>G (NM_001195677.2).
Identifiers: ClinVar variation 338982 (VCV000338982.6), dbSNP rs150825395, ClinGen allele CA10650014.

ClinVar aggregate classification (germline): Benign/Likely benign. Review status: criteria provided, single submitter (1 of 4 stars). 2 submissions from 1 submitter: Benign (1); Likely benign (1). Last evaluated 2018-01-13.

Conditions:
Amyotrophic lateral sclerosis type 8 (ALS8). Identifiers: Orphanet 803, MedGen C1837728, MONDO:0012077, OMIM 608627.
Adult-onset proximal spinal muscular atrophy, autosomal dominant. Also called: FINKEL LATE-ADULT TYPE SMA; Spinal muscular atrophy, late-onset, finkel type. Identifiers: Orphanet 209335, MedGen C1854058, MONDO:0008453, OMIM 182980.

Allele frequency attached by ClinVar (database versions not stated): gnomAD exomes 0.00013 and 0.00020; gnomAD 0.00087 and 0.00093; TOPMed 0.00094; 1000 Genomes Project 30x 0.00141; 1000 Genomes Project 0.00180.
gnomAD v4.1: 176 of 453,936 alleles (0.039%); highest among the groups gnomAD compares: African/African-American, 0.3%; no homozygotes.

Submissions (2):

Illumina Laboratory Services, Illumina
Classification: Benign for Amyotrophic lateral sclerosis type 8. Last evaluated: 2018-01-13. Review status: criteria provided, single submitter. Criteria: ICSL Variant Classification Criteria 13 December 2019. Collection method: clinical testing. Allele origin: germline.
Comment: This variant was observed in the ICSL laboratory as part of a predisposition screen in an ostensibly healthy population. It had not been previously curated by ICSL or reported in the Human Gene Mutation Database (HGMD: prior to June 1st, 2018), and was therefore a candidate for classification through an automated scoring system. Utilizing variant allele frequency, disease prevalence and penetrance estimates, and inheritance mode, an automated score was calculated to assess if this variant is too frequent to cause the disease. Based on the score and internal cut-off values, a variant classified as benign is not then subjected to further curation. The score for this variant resulted in a classification of benign for this disease.

Illumina Laboratory Services, Illumina
Classification: Likely benign for Adult-onset proximal spinal muscular atrophy, autosomal dominant. Last evaluated: 2018-01-13. Review status: criteria provided, single submitter. Criteria: ICSL Variant Classification Criteria 13 December 2019. Collection method: clinical testing. Allele origin: germline.
Comment: This variant was observed in the ICSL laboratory as part of a predisposition screen in an ostensibly healthy population. It had not been previously curated by ICSL or reported in the Human Gene Mutation Database (HGMD: prior to June 1st, 2018), and was therefore a candidate for classification through an automated scoring system. Utilizing variant allele frequency, disease prevalence and penetrance estimates, and inheritance mode, an automated score was calculated to assess if this variant is too frequent to cause the disease. Based on the score and internal cut-off values, a variant classified as likely benign is not then subjected to further curation. The score for this variant resulted in a classification of likely benign for this disease.